The following is an entry in ClinVar:

NM_001848.3(COL6A1):c.1002+6T>G

Gene: COL6A1 (collagen type VI alpha 1 chain; plus strand). Cytogenetic location: 21q22.3.
Variant type: single nucleotide variant.
Coding change: c.1002+6T>G on transcript NM_001848.3 (MANE Select); 6 bases into the intron after coding-DNA position 1002, T replaced by G.
Molecular consequence: intron variant.
Genome position (GRCh38, 1-based): chr21:45,990,428, T>G. VCF-style: chr21-45990428-T-G. GRCh37 (hg19) VCF-style: chr21-47410342-T-G.
Identifiers: ClinVar variation 3052748 (VCV003052748.2), dbSNP rs13052179, ClinGen allele CA638178882.

ClinVar aggregate classification (germline): Likely benign (0 of 4 stars; one submission).

Conditions:
COL6A1-related disorder. Also called: COL6A1-related condition.

Submission:

PreventionGenetics, part of Exact Sciences
Classification: Likely benign for COL6A1-related condition. Last evaluated: 2022-11-07. Review status: no assertion criteria provided. Collection method: clinical testing. Allele origin: germline.
Comment: This variant is classified as likely benign based on ACMG/AMP sequence variant interpretation guidelines (Richards et al. 2015 PMID: 25741868, with internal and published modifications).